The following is an entry in ClinVar:

ClinVar aggregate classification (germline): Uncertain significance (1 of 4 stars; one submission).

Allele frequency attached by ClinVar (database versions not stated): gnomAD exomes below 0.00001; TOPMed below 0.00001; ExAC 0.00001.
gnomAD v4.1: 1 of 1,599,930 alleles (0.000063%); highest among the groups gnomAD compares: South Asian, 0.0011%; no homozygotes.

Submission:

GeneDx
Classification: Uncertain significance. Last evaluated: 2022-03-29. Review status: criteria provided, single submitter. Criteria: GeneDx Variant Classification Process June 2021. Collection method: clinical testing. Allele origin: germline. Affected: yes.
Comment: Has not been previously published as pathogenic or benign to our knowledge; Not observed at significant frequency in large population cohorts (gnomAD); In silico analysis supports that this missense variant does not alter protein structure/function

NM_006514.4(SCN10A):c.3131C>T (p.Thr1044Ile)

Genes: SCN10A (sodium voltage-gated channel alpha subunit 10; minus strand), LOC110121288 (VISTA enhancer hs2268; plus strand). Cytogenetic location: 3p22.2.
Variant type: single nucleotide variant.
Coding change: c.3131C>T on transcript NM_006514.4 (MANE Select); coding-DNA position 3131, C replaced by T.
Protein change: p.Thr1044Ile; replaces threonine 1044 with isoleucine.
Molecular consequence: missense variant.
Genome position (GRCh38, 1-based): chr3:38,725,271, G>A on the plus strand (C>T on the coding strand, the complement: SCN10A is on the minus strand). VCF-style: chr3-38725271-G-A. GRCh37 (hg19) VCF-style: chr3-38766762-G-A.
Other names: c.3128C>T, p.Thr1043Ile (NM_001293306.2); c.2837C>T, p.Thr946Ile (NM_001293307.2); short protein forms T1043I, T1044I, T946I.
Identifiers: ClinVar variation 1707802 (VCV001707802.2), dbSNP rs769336373, ClinGen allele CA2320344.